The following is an entry in ClinVar:

NM_012470.4(TNPO3):c.2015G>T (p.Cys672Phe)

Gene: TNPO3 (transportin 3; minus strand). Cytogenetic location: 7q32.1.
Variant type: single nucleotide variant.
Coding change: c.2015G>T on transcript NM_012470.4 (MANE Select); coding-DNA position 2015, G replaced by T.
Protein change: p.Cys672Phe; replaces cysteine 672 with phenylalanine.
Molecular consequence: missense variant. On other transcripts: non-coding transcript variant (14), intron variant (1).
Genome position (GRCh38, 1-based): chr7:128,979,029, C>A on the plus strand (G>T on the coding strand, the complement: TNPO3 is on the minus strand). VCF-style: chr7-128979029-C-A. GRCh37 (hg19) VCF-style: chr7-128619083-C-A.
Other names: c.1823G>T, p.Cys608Phe (NM_001191028.3, NM_001382223.1); c.2117G>T, p.Cys706Phe (NM_001382216.1); c.2096G>T, p.Cys699Phe (NM_001382217.1); c.2015G>T, p.Cys672Phe (NM_001382218.1); c.1907G>T, p.Cys636Phe (NM_001382219.1); c.1871G>T, p.Cys624Phe (NM_001382221.1); c.1868G>T, p.Cys623Phe (NM_001382222.1); c.1920+942G>T (NM_001382220.1); short protein forms C623F, C636F, C672F, C706F, C699F, C608F, C624F.
Identifiers: ClinVar variation 972187 (VCV000972187.10), dbSNP rs779786988, ClinGen allele CA369220936.

ClinVar aggregate classification (germline): Uncertain significance (1 of 4 stars; one submission).

Conditions:
Autosomal dominant limb-girdle muscular dystrophy type 1F (LGMDD2). Also called: Limb-girdle muscular dystrophy, type 1F; MUSCULAR DYSTROPHY, LIMB-GIRDLE, AUTOSOMAL DOMINANT 2. Identifiers: Orphanet 55595, MedGen C1842062, MONDO:0012034, OMIM 608423.

Submission:

Labcorp Genetics (formerly Invitae), Labcorp
Classification: Uncertain significance for Autosomal dominant limb-girdle muscular dystrophy type 1F. Last evaluated: 2024-01-07. Review status: criteria provided, single submitter. Criteria: Invitae Variant Classification Sherloc (09022015). Collection method: clinical testing. Allele origin: germline.
Comment: This sequence change replaces cysteine, which is neutral and slightly polar, with phenylalanine, which is neutral and non-polar, at codon 672 of the TNPO3 protein (p.Cys672Phe). This variant is not present in population databases (gnomAD no frequency). This variant has not been reported in the literature in individuals affected with TNPO3-related conditions. ClinVar contains an entry for this variant (Variation ID: 972187). Advanced modeling of protein sequence and biophysical properties (such as structural, functional, and spatial information, amino acid conservation, physicochemical variation, residue mobility, and thermodynamic stability) performed at Invitae indicates that this missense variant is not expected to disrupt TNPO3 protein function with a negative predictive value of 80%. In summary, the available evidence is currently insufficient to determine the role of this variant in disease. Therefore, it has been classified as a Variant of Uncertain Significance.